The following is an entry in ClinVar:

NM_000138.5(FBN1):c.6339T>C (p.Tyr2113=)

Gene: FBN1 (fibrillin 1; minus strand). Cytogenetic location: 15q21.1.
Variant type: single nucleotide variant.
Coding change: c.6339T>C on transcript NM_000138.5 (MANE Select); coding-DNA position 6339, T replaced by C.
Protein change: p.Tyr2113=; no amino-acid change (tyrosine 2113 retained).
Molecular consequence: synonymous variant.
Genome position (GRCh38, 1-based): chr15:48,437,362, A>G on the plus strand (T>C on the coding strand, the complement: FBN1 is on the minus strand). VCF-style: chr15-48437362-A-G. GRCh37 (hg19) VCF-style: chr15-48729559-A-G.
Other names: c.6339T>C, p.Tyr2113= (NM_001406716.1).
Identifiers: ClinVar variation 2645313 (VCV002645313.24), dbSNP rs267606797, ClinGen allele CA490019274.

ClinVar aggregate classification (germline): Likely benign (1 of 4 stars; one submission).

Allele frequency attached by ClinVar (database versions not stated): gnomAD exomes below 0.00001; TOPMed below 0.00001; gnomAD 0.00001.
gnomAD v4.1: 6 of 1,613,486 alleles (0.00037%); highest among the groups gnomAD compares: African/African-American, 0.0027%; no homozygotes.

Submission:

CeGaT Center for Human Genetics Tuebingen
Classification: Likely benign. Last evaluated: 2022-09-01. Review status: criteria provided, single submitter. Criteria: CeGaT Center For Human Genetics Tuebingen Variant Classification Criteria Version 2. Collection method: clinical testing. Allele origin: germline. Affected: yes. Observed: 1 variant allele.
Comment: FBN1: BP4, BP7